The following is an entry in ClinVar:

ClinVar aggregate classification (germline): Uncertain significance (1 of 4 stars; one submission).

Conditions:
Hereditary cancer-predisposing syndrome. Also called: Tumor predisposition; Neoplastic Syndromes, Hereditary; Hereditary Cancer Syndrome; Hereditary neoplastic syndrome. Identifiers: Orphanet 140162, MedGen C0027672, MeSH D009386, MONDO:0015356.

Submission:

Ambry Genetics
Classification: Uncertain significance for Hereditary cancer-predisposing syndrome. Last evaluated: 2026-06-15. Review status: criteria provided, single submitter. Criteria: Ambry Variant Classification Scheme 2023. Collection method: clinical testing. Allele origin: germline.
Comment: The p.H174Y variant (also known as c.520C>T), located in coding exon 4 of the STK11 gene, results from a C to T substitution at nucleotide position 520. The histidine at codon 174 is replaced by tyrosine, an amino acid with similar properties. Based on internal structural analysis, H174Y is deleterious. This amino acid position is highly conserved in available vertebrate species. In addition, this alteration is predicted to be deleterious by in silico analysis. Based on the available evidence, the clinical significance of this variant remains unclear.

NM_000455.5(STK11):c.520C>T (p.His174Tyr)

Gene: STK11 (serine/threonine kinase 11; plus strand). Cytogenetic location: 19p13.3.
Variant type: single nucleotide variant.
Coding change: c.520C>T on transcript NM_000455.5 (MANE Select); coding-DNA position 520, C replaced by T.
Protein change: p.His174Tyr; replaces histidine 174 with tyrosine.
Molecular consequence: missense variant.
Genome position (GRCh38, 1-based): chr19:1,220,428, C>T. VCF-style: chr19-1220428-C-T. GRCh37 (hg19) VCF-style: chr19-1220427-C-T.
Other names: short protein forms H174Y.
Identifiers: ClinVar variation 231381 (VCV000231381.6), dbSNP rs876659126, ClinGen allele CA10581003.